The following is an entry in ClinVar:

ClinVar aggregate classification (germline): Likely pathogenic (1 of 4 stars; one submission).

Conditions:
WDR11-related disorder. Also called: WDR11-related condition.

Submission:

PreventionGenetics, part of Exact Sciences
Classification: Likely pathogenic for WDR11-related condition. Last evaluated: 2025-12-05. Review status: criteria provided, single submitter. Criteria: ACMG Guidelines, 2015. Collection method: clinical testing. Allele origin: germline.
Comment: The WDR11 c.1561delA variant is predicted to result in a frameshift and premature protein termination (p.Ile521Leufs*6). To our knowledge, this variant has not been reported in the literature or in a large population database (gnomAD), indicating this variant is rare. Frameshift variants in WDR11 are expected to be pathogenic. This variant is interpreted as likely pathogenic.

NM_018117.12(WDR11):c.1561del (p.Ile521fs)

Gene: WDR11 (WD repeat domain 11; plus strand). Cytogenetic location: 10q26.12.
Variant type: Deletion.
Coding change: c.1561del on transcript NM_018117.12 (MANE Select); coding-DNA position 1561, one base deleted (A; older notation c.1561delA).
Protein change: p.Ile521fs; shifts the reading frame from isoleucine 521.
Molecular consequence: frameshift variant.
Genome position (GRCh38, 1-based): chr10:120,878,357, A deleted. VCF-style (leftmost placement, unchanged base first): chr10-120878356-TA-T. GRCh37 (hg19) VCF-style: chr10-122637868-TA-T.
Other names: short protein forms I521fs.
Identifiers: ClinVar variation 4994558 (VCV004994558.1).